The following is an entry in ClinVar:

ClinVar aggregate classification (germline): Likely benign. Review status: criteria provided, multiple submitters, no conflicts (2 of 4 stars). 3 submissions from 3 submitters: Likely benign (2). 1 of the submissions does not count toward it. Last evaluated 2026-03-01.

Conditions:
ZNF292-related disorder. Also called: ZNF292-related condition.
Inborn genetic diseases. Identifiers: MedGen C0950123, MeSH D030342.

Allele frequency attached by ClinVar (database versions not stated): ESP Exome Variant Server 0.00008; gnomAD 0.00012; ExAC 0.00014; TOPMed 0.00014; gnomAD exomes 0.00033.
gnomAD v4.1: 502 of 1,613,428 alleles (0.031%); highest among the groups gnomAD compares: Non-Finnish European, 0.04%; no homozygotes.

Submissions (3):

CeGaT Center for Human Genetics Tuebingen
Classification: Likely benign. Last evaluated: 2026-03-01. Review status: criteria provided, single submitter. Criteria: CeGaT Center For Human Genetics Tuebingen Variant Classification Criteria Version 2. Collection method: clinical testing. Allele origin: germline. Affected: yes. Observed: 1 variant allele.
Comment: ZNF292: BP4

Ambry Genetics
Classification: Likely benign for Inborn genetic diseases. Last evaluated: 2023-07-12. Review status: criteria provided, single submitter. Criteria: Ambry Variant Classification Scheme 2023. Collection method: clinical testing. Allele origin: germline.

PreventionGenetics, part of Exact Sciences
Classification: Likely benign for ZNF292-related condition. Last evaluated: 2023-05-08. Review status: no assertion criteria provided. Collection method: clinical testing. Allele origin: germline. Not counted in ClinVar's aggregate classification.
Comment: This variant is classified as likely benign based on ACMG/AMP sequence variant interpretation guidelines (Richards et al. 2015 PMID: 25741868, with internal and published modifications).

NM_015021.3(ZNF292):c.4834C>T (p.Pro1612Ser)

Gene: ZNF292 (zinc finger protein 292; plus strand). Cytogenetic location: 6q14.3.
Variant type: single nucleotide variant.
Coding change: c.4834C>T on transcript NM_015021.3 (MANE Select); coding-DNA position 4834, C replaced by T.
Protein change: p.Pro1612Ser; replaces proline 1612 with serine.
Molecular consequence: missense variant.
Genome position (GRCh38, 1-based): chr6:87,258,463, C>T. VCF-style: chr6-87258463-C-T. GRCh37 (hg19) VCF-style: chr6-87968181-C-T.
Other names: c.4414C>T, p.Pro1472Ser (NM_001351444.2); short protein forms P1472S, P1612S.
Identifiers: ClinVar variation 2599553 (VCV002599553.8), dbSNP rs201229326, ClinGen allele CA3914374.